The following is an entry in ClinVar:

ClinVar aggregate classification (germline): Likely benign (0 of 4 stars; one submission).

Allele frequency attached by ClinVar (database versions not stated): TOPMed 0.00006; gnomAD 0.00007; gnomAD exomes 0.00007.
gnomAD v4.1: 39 of 581,858 alleles (0.0067%); highest among the groups gnomAD compares: Admixed American, 0.018%; no homozygotes.

Submission:

Leiden Open Variation Database
Classification: Likely benign. Last evaluated: 2012-08-31. Review status: no assertion criteria provided. Collection method: curation. Allele origin: germline. Affected: yes.
Comment: Curator: Arleen D. Auerbach. Submitter to LOVD: Janine Bakker.

Literature cited by the submitters: PubMed 22911665.

NM_032444.4(SLX4):c.1163+194C>T

Gene: SLX4 (SLX4 structure-specific endonuclease subunit; minus strand). Cytogenetic location: 16p13.3.
Variant type: single nucleotide variant.
Coding change: c.1163+194C>T on transcript NM_032444.4 (MANE Select); 194 bases into the intron after coding-DNA position 1163, C replaced by T.
Molecular consequence: intron variant.
Genome position (GRCh38, 1-based): chr16:3,600,785, G>A on the plus strand (C>T on the coding strand, the complement: SLX4 is on the minus strand). VCF-style: chr16-3600785-G-A. GRCh37 (hg19) VCF-style: chr16-3650786-G-A.
Identifiers: ClinVar variation 929600 (VCV000929600.1), dbSNP rs778268816, ClinGen allele CA276966071.